The following is an entry in ClinVar:

ClinVar aggregate classification (germline): Uncertain significance (1 of 4 stars; one submission).

Conditions:
Autosomal recessive spastic paraplegia type 76. Identifiers: Orphanet 488594, MedGen C5567483, MONDO:0014827, OMIM 616907.

gnomAD v4.1: 4 of 1,610,976 alleles (0.00025%); highest among the groups gnomAD compares: Non-Finnish European, 0.00025%; no homozygotes.

Submission:

Human Genetics Bochum, Ruhr University Bochum
Classification: Uncertain significance for Autosomal recessive spastic paraplegia type 76. Last evaluated: 2024-09-19. Review status: criteria provided, single submitter. Criteria: ACMG Guidelines, 2015. Collection method: clinical testing. Allele origin: germline. Affected: yes.
Comment: in homozygous state; ACMG criteria used to clasify this variant: PM2_SUP, PP3

NM_005186.4(CAPN1):c.751T>C (p.Ser251Pro)

Gene: CAPN1 (calpain 1; plus strand). Cytogenetic location: 11q13.1.
Variant type: single nucleotide variant.
Coding change: c.751T>C on transcript NM_005186.4 (MANE Select); coding-DNA position 751, T replaced by C.
Protein change: p.Ser251Pro; replaces serine 251 with proline.
Molecular consequence: missense variant. On other transcripts: non-coding transcript variant (1).
Genome position (GRCh38, 1-based): chr11:65,186,330, T>C. VCF-style: chr11-65186330-T-C. GRCh37 (hg19) VCF-style: chr11-64953801-T-C.
Other names: c.751T>C, p.Ser251Pro (NM_001198868.2, NM_001198869.2); short protein forms S251P.
Identifiers: ClinVar variation 4688004 (VCV004688004.1), dbSNP rs1422465486.